The following is an entry in ClinVar:

NM_000426.4(LAMA2):c.8966G>A (p.Gly2989Asp)

Gene: LAMA2 (laminin subunit alpha 2; plus strand). Cytogenetic location: 6q22.33.
Variant type: single nucleotide variant.
Coding change: c.8966G>A on transcript NM_000426.4 (MANE Select); coding-DNA position 8966, G replaced by A.
Protein change: p.Gly2989Asp; replaces glycine 2989 with aspartic acid.
Molecular consequence: missense variant.
Genome position (GRCh38, 1-based): chr6:129,512,471, G>A. VCF-style: chr6-129512471-G-A. GRCh37 (hg19) VCF-style: chr6-129833616-G-A.
Other names: c.8954G>A, p.Gly2985Asp (NM_001079823.2); short protein forms G2989D, G2985D.
Identifiers: ClinVar variation 2165456 (VCV002165456.3), dbSNP rs1335259812, ClinGen allele CA365636236.

ClinVar aggregate classification (germline): Uncertain significance (1 of 4 stars; one submission).

Conditions:
LAMA2-related muscular dystrophy (LAMA2-RD). Also called: Laminin alpha 2-related dystrophy. Identifiers: MedGen C5679788, MONDO:0100228.

Allele frequency attached by ClinVar (database versions not stated): gnomAD exomes below 0.00001.
gnomAD v4.1: 2 of 1,613,520 alleles (0.00012%); highest among the groups gnomAD compares: South Asian, 0.0011%; no homozygotes.

Submission:

Labcorp Genetics (formerly Invitae), Labcorp
Classification: Uncertain significance for LAMA2-related muscular dystrophy. Last evaluated: 2024-05-15. Review status: criteria provided, single submitter. Criteria: Invitae Variant Classification Sherloc (09022015). Collection method: clinical testing. Allele origin: germline.
Comment: This sequence change replaces glycine, which is neutral and non-polar, with aspartic acid, which is acidic and polar, at codon 2989 of the LAMA2 protein (p.Gly2989Asp). This variant is present in population databases (no rsID available, gnomAD 0.006%). This variant has not been reported in the literature in individuals affected with LAMA2-related conditions. ClinVar contains an entry for this variant (Variation ID: 2165456). Advanced modeling of protein sequence and biophysical properties (such as structural, functional, and spatial information, amino acid conservation, physicochemical variation, residue mobility, and thermodynamic stability) performed at Invitae indicates that this missense variant is not expected to disrupt LAMA2 protein function with a negative predictive value of 95%. In summary, the available evidence is currently insufficient to determine the role of this variant in disease. Therefore, it has been classified as a Variant of Uncertain Significance.